The following is an entry in ClinVar:

NM_004104.5(FASN):c.6238G>A (p.Val2080Ile)

Gene: FASN (fatty acid synthase; minus strand). Cytogenetic location: 17q25.3.
Variant type: single nucleotide variant.
Coding change: c.6238G>A on transcript NM_004104.5 (MANE Select); coding-DNA position 6238, G replaced by A.
Protein change: p.Val2080Ile; replaces valine 2080 with isoleucine.
Molecular consequence: missense variant.
Genome position (GRCh38, 1-based): chr17:82,081,769, C>T on the plus strand (G>A on the coding strand, the complement: FASN is on the minus strand). VCF-style: chr17-82081769-C-T. GRCh37 (hg19) VCF-style: chr17-80039645-C-T.
Other names: short protein forms V2080I.
Identifiers: ClinVar variation 462094 (VCV000462094.8), dbSNP rs766446511, ClinGen allele CA8851357.

ClinVar aggregate classification (germline): Uncertain significance (1 of 4 stars; one submission).

Conditions:
Epileptic encephalopathy. Identifiers: MedGen C0543888, HP:0200134.

Allele frequency attached by ClinVar (database versions not stated): TOPMed below 0.00001; ExAC 0.00001; gnomAD exomes 0.00001.
gnomAD v4.1: 14 of 1,612,646 alleles (0.00087%); highest among the groups gnomAD compares: Admixed American, 0.0033%; no homozygotes.

Submission:

Labcorp Genetics (formerly Invitae), Labcorp
Classification: Uncertain significance for Epileptic encephalopathy. Last evaluated: 2017-09-03. Review status: criteria provided, single submitter. Criteria: Invitae Variant Classification Sherloc (09022015). Collection method: clinical testing. Allele origin: germline.
Comment: In summary, the available evidence is currently insufficient to determine the role of this variant in disease. Therefore, it has been classified as a Variant of Uncertain Significance. Algorithms developed to predict the effect of missense changes on protein structure and function output the following: SIFT: "Tolerated"; PolyPhen-2: "Benign"; Align-GVGD: "Class C0". The isoleucine amino acid residue is found in multiple mammalian species, suggesting that this missense change does not adversely affect protein function. These predictions have not been confirmed by published functional studies and their clinical significance is uncertain. This variant has not been reported in the literature in individuals with FASN-related disease. This variant is present in population databases (rs766446511, ExAC 0.02%). This sequence change replaces valine with isoleucine at codon 2080 of the FASN protein (p.Val2080Ile). The valine residue is weakly conserved and there is a small physicochemical difference between valine and isoleucine.